The following is an entry in ClinVar:

ClinVar aggregate classification (germline): Uncertain significance (1 of 4 stars; one submission).

Conditions:
Jaberi-Elahi syndrome. Also called: NEURODEVELOPMENTAL DISORDER WITH CHARACTERISTIC FACIAL AND ECTODERMAL FEATURES AND TETRAPARESIS 2. Identifiers: MedGen C4693848, MONDO:0060711, OMIM 617988.

Submission:

Ozbek Human Genetics Laboratory, Izmir Biomedicine and Genome Center
Classification: Uncertain significance for Jaberi-Elahi syndrome. Last evaluated: 2025-02-10. Review status: criteria provided, single submitter. Criteria: ACMG Guidelines, 2015. Collection method: research. Allele origin: unknown. Affected: yes. Observed: 1 variant allele, 1 homozygote.
Comment: A homozygous in-frame deletion, c.934_936del (p.Phe312del), was identified in exon 7 of the GTPBP2 gene (NM_019096.5). This variant has not been previously observed in population databases or our in-house database (PM2). The variant is located in a non-repeat region and alters the protein length (PM4). In silico studies suggest that mutations involving the phenylalanine at position 312 of the GTPBP2 protein are mostly pathogenic, and the deletion of this amino acid is predicted to have a pathogenic effect by causing local folding defects. Based on this evidence, this change is classified as a Variant of Uncertain Significance (VUS) according to ACMG criteria. The GTPBP2 gene is associated with the autosomal recessive "Jaberi-Elahi syndrome" in the OMIM database. Data obtained via the RAREBOOST project (Horizon 2020 ERA Chairs at Izmir Biomedicine and Genome Center - IBG)

NM_019096.5(GTPBP2):c.931TTC[1] (p.Phe312del)

Gene: GTPBP2 (GTP binding protein 2; minus strand). Cytogenetic location: 6p21.1.
Variant type: Microsatellite.
Coding change: c.931TTC[1] on transcript NM_019096.5 (MANE Select); one copy of the 3-base unit TTC starting at c.931; the reference has two copies in a row; one copy, 3 bases deleted; also written c.934_936del.
Protein change: p.Phe312del; deletes phenylalanine 312.
Molecular consequence: inframe deletion.
Genome position (GRCh38, 1-based): chr6:43,624,674-43,624,676, GAA deleted on the plus strand (TTC on the coding strand, the reverse complement: GTPBP2 is on the minus strand); deleting any 3 consecutive bases within chr6:43,624,674-43,624,680 gives the same sequence; the position shown is the placement nearest the transcript's 3' end. VCF-style (leftmost placement, unchanged base first): chr6-43624673-TGAA-T. GRCh37 (hg19) VCF-style: chr6-43592410-TGAA-T.
Other names: c.667TTC[1], p.Phe224del (NM_001286216.2); c.934_936del (NM_019096.5); short protein forms F224del, F312del.
Identifiers: ClinVar variation 4813296 (VCV004813296.1).